The following is an entry in ClinVar:

ClinVar aggregate classification (germline): Uncertain significance (1 of 4 stars; one submission).

Submission:

Dasa
Classification: Uncertain significance. Last evaluated: 2025-09-17. Review status: criteria provided, single submitter. Criteria: DASA Assertion Criteria. Collection method: clinical testing. Allele origin: germline.
Comment: NM_014727.3(KMT2B):c.2439G>C (p.Lys813Asn) is a missense variant that results in the substitution of lysine with asparagine. This variant is rare in population databases. The currently available literature and clinical evidence are not sufficient to establish a definitive association between this variant and the reported condition. Therefore, this variant is classified as a variant of uncertain significance.

NM_014727.3(KMT2B):c.2439G>C (p.Lys813Asn)

Gene: KMT2B (lysine methyltransferase 2B; plus strand). Cytogenetic location: 19q13.12.
Variant type: single nucleotide variant.
Coding change: c.2439G>C on transcript NM_014727.3 (MANE Select); coding-DNA position 2439, G replaced by C.
Protein change: p.Lys813Asn; replaces lysine 813 with asparagine.
Molecular consequence: missense variant.
Genome position (GRCh38, 1-based): chr19:35,721,786, G>C. VCF-style: chr19-35721786-G-C. GRCh37 (hg19) VCF-style: chr19-36212688-G-C.
Other names: short protein forms K813N.
Identifiers: ClinVar variation 4883557 (VCV004883557.2).